The following is an entry in ClinVar:

NM_001127222.2(CACNA1A):c.2270_2273dup (p.Ala759fs)

Gene: CACNA1A (calcium voltage-gated channel subunit alpha1 A; minus strand). Cytogenetic location: 19p13.13.
Variant type: Duplication.
Coding change: c.2270_2273dup on transcript NM_001127222.2 (MANE Select); coding-DNA positions 2270 to 2273, 4 bases duplicated (CTAT; older notation c.2270_2273dupCTAT).
Protein change: p.Ala759fs; shifts the reading frame from alanine 759.
Molecular consequence: frameshift variant.
Genome position (GRCh38, 1-based): chr19:13,300,556-13,300,559, ATAG duplicated on the plus strand (CTAT on the coding strand, the reverse complement: CACNA1A is on the minus strand); duplicating any 4 consecutive bases within chr19:13,300,556-13,300,560 gives the same sequence; the c. name uses the placement nearest the transcript's 3' end. VCF-style (leftmost placement, unchanged base first): chr19-13300555-T-TATAG. GRCh37 (hg19) VCF-style: chr19-13411369-T-TATAG.
Other names: c.2282_2285dup, p.Ala763fs (NM_000068.4, NM_023035.3); c.2273_2276dup, p.Ala760fs (NM_001127221.2, NM_001174080.2); short protein forms A759fs, A760fs, A763fs.
Identifiers: ClinVar variation 2636410 (VCV002636410.1), dbSNP rs2512918165, ClinGen allele CA2695198149.

ClinVar aggregate classification (germline): Likely pathogenic (1 of 4 stars; one submission).

Conditions:
CACNA1A-related disorder. Also called: CACNA1A-related condition.

Submission:

PreventionGenetics, part of Exact Sciences
Classification: Likely pathogenic for CACNA1A-related condition. Last evaluated: 2022-08-26. Review status: criteria provided, single submitter. Criteria: ACMG Guidelines, 2015. Collection method: clinical testing. Allele origin: germline.
Comment: The CACNA1A c.2270_2273dupCTAT variant is predicted to result in a frameshift and premature protein termination (p.Ala759Tyrfs*23). To our knowledge, this variant has not been reported in the literature or in a large population database, indicating this variant is rare. Frameshift variants in CACNA1A are expected to be pathogenic. This variant is interpreted as likely pathogenic.